The following is an entry in ClinVar:

ClinVar aggregate classification (germline): Uncertain significance. Review status: criteria provided, single submitter (1 of 4 stars). 2 submissions from 2 submitters: Uncertain significance (1). 1 of the submissions does not count toward it. Last evaluated 2020-01-07.

Conditions:
Cardiovascular phenotype. Identifiers: MedGen CN230736.
Alstrom syndrome (ALMS). Identifiers: Orphanet 64, MedGen C0268425, MONDO:0008763, OMIM 203800.

Allele frequency attached by ClinVar (database versions not stated): gnomAD exomes below 0.00001; ExAC 0.00001; ESP Exome Variant Server 0.00008.

Submissions (2):

Ambry Genetics
Classification: Uncertain significance for Cardiovascular phenotype. Last evaluated: 2020-01-07. Review status: criteria provided, single submitter. Criteria: Ambry Variant Classification Scheme 2023. Collection method: clinical testing. Allele origin: germline.
Comment: The p.E2024G variant (also known as c.6071A>G), located in coding exon 8 of the ALMS1 gene, results from an A to G substitution at nucleotide position 6071. The glutamic acid at codon 2024 is replaced by glycine, an amino acid with similar properties. This amino acid position is highly conserved in available vertebrate species. In addition, this alteration is predicted to be tolerated by in silico analysis. Since supporting evidence is limited at this time, the clinical significance of this alteration remains unclear.

Counsyl
Classification: Uncertain significance for Alstrom syndrome. Last evaluated: 2018-03-12. Review status: no assertion criteria provided. Collection method: clinical testing. Allele origin: unknown. Not counted in ClinVar's aggregate classification.

NM_001378454.1(ALMS1):c.6068A>G (p.Glu2023Gly)

Gene: ALMS1 (ALMS1 centrosome and basal body associated protein; plus strand). Cytogenetic location: 2p13.1.
Variant type: single nucleotide variant.
Coding change: c.6068A>G on transcript NM_001378454.1 (MANE Select); coding-DNA position 6068, A replaced by G.
Protein change: p.Glu2023Gly; replaces glutamic acid 2023 with glycine.
Molecular consequence: missense variant.
Genome position (GRCh38, 1-based): chr2:73,452,595, A>G. VCF-style: chr2-73452595-A-G. GRCh37 (hg19) VCF-style: chr2-73679722-A-G.
Other names: c.6071A>G, p.Glu2024Gly (NM_015120.4); short protein forms E2024G, E2023G.
Identifiers: ClinVar variation 557191 (VCV000557191.4), dbSNP rs376120513, ClinGen allele CA1713994.